The following is an entry in ClinVar:

NM_006009.4(TUBA1A):c.34G>C (p.Ala12Pro)

Gene: TUBA1A (tubulin alpha 1a; minus strand). Cytogenetic location: 12q13.12.
Variant type: single nucleotide variant.
Coding change: c.34G>C on transcript NM_006009.4 (MANE Select); coding-DNA position 34, G replaced by C.
Protein change: p.Ala12Pro; replaces alanine 12 with proline.
Molecular consequence: missense variant. On other transcripts: 5 prime UTR variant (1).
Genome position (GRCh38, 1-based): chr12:49,186,803, C>G on the plus strand (G>C on the coding strand, the complement: TUBA1A is on the minus strand). VCF-style: chr12-49186803-C-G. GRCh37 (hg19) VCF-style: chr12-49580586-C-G.
Other names: c.34G>C, p.Ala12Pro (NM_001270399.2); c.-72G>C (NM_001270400.2); short protein forms A12P.
Identifiers: ClinVar variation 2635348 (VCV002635348.1), dbSNP rs2498863670, ClinGen allele CA384646112.

ClinVar aggregate classification (germline): Uncertain significance (1 of 4 stars; one submission).

Conditions:
TUBA1A-related disorder. Also called: TUBA1A-related condition.

Submission:

PreventionGenetics, part of Exact Sciences
Classification: Uncertain significance for TUBA1A-related condition. Last evaluated: 2022-11-07. Review status: criteria provided, single submitter. Criteria: ACMG Guidelines, 2015. Collection method: clinical testing. Allele origin: germline.
Comment: The TUBA1A c.34G>C variant is predicted to result in the amino acid substitution p.Ala12Pro. To our knowledge, this variant has not been reported in the literature or in a large population database, indicating this variant is rare. At this time, the clinical significance of this variant is uncertain due to the absence of conclusive functional and genetic evidence.